The following is an entry in ClinVar:

NM_170606.3(KMT2C):c.9650G>T (p.Arg3217Leu)

Gene: KMT2C (lysine methyltransferase 2C; minus strand). Cytogenetic location: 7q36.1.
Variant type: single nucleotide variant.
Coding change: c.9650G>T on transcript NM_170606.3 (MANE Select); coding-DNA position 9650, G replaced by T.
Protein change: p.Arg3217Leu; replaces arginine 3217 with leucine.
Molecular consequence: missense variant.
Genome position (GRCh38, 1-based): chr7:152,167,246, C>A on the plus strand (G>T on the coding strand, the complement: KMT2C is on the minus strand). VCF-style: chr7-152167246-C-A. GRCh37 (hg19) VCF-style: chr7-151864331-C-A.
Other names: short protein forms R3217L.
Identifiers: ClinVar variation 4075605 (VCV004075605.1).
Genomic context (GRCh38, chr7:152,167,246, plus strand): 5'-ACATGCTTGAGTTGTTCTGCATCTTCCTCTGGAAATTCACGCCCAGCTTTCTTGGCAGTA[C>A]GTTGTTTAGCTGAAAGGGCCTTCTTAGATTTTCTGTGAGCACCAATTTGTTCTTCAAGAT-3'
Protein context (NP_733751.2, residues 3207-3227): KSKKALSAKQ[Arg3217Leu]TAKKAGREFP

ClinVar aggregate classification (germline): Uncertain significance (1 of 4 stars; one submission).

Submission:

GeneDx
Classification: Uncertain significance. Last evaluated: 2025-02-13. Review status: criteria provided, single submitter. Criteria: GeneDx Variant Classification Process June 2021. Collection method: clinical testing. Allele origin: germline. Affected: yes.
Comment: Not observed at significant frequency in large population cohorts (gnomAD); In silico analysis supports that this missense variant has a deleterious effect on protein structure/function; Has not been previously published as pathogenic or benign to our knowledge